The following is an entry in ClinVar:

NM_004493.3(HSD17B10):c.11C>G (p.Ala4Gly)

Gene: HSD17B10 (hydroxysteroid 17-beta dehydrogenase 10; minus strand). Cytogenetic location: Xp11.22.
Variant type: single nucleotide variant.
Coding change: c.11C>G on transcript NM_004493.3 (MANE Select); coding-DNA position 11, C replaced by G.
Protein change: p.Ala4Gly; replaces alanine 4 with glycine.
Molecular consequence: missense variant.
Genome position (GRCh38, 1-based): chrX:53,434,335, G>C on the plus strand (C>G on the coding strand, the complement: HSD17B10 is on the minus strand). VCF-style: chrX-53434335-G-C. GRCh37 (hg19) VCF-style: chrX-53461282-G-C.
Other names: c.11C>G, p.Ala4Gly (NM_001037811.2); short protein forms A4G.
Identifiers: ClinVar variation 3235000 (VCV003235000.1), dbSNP rs781839633, ClinGen allele CA10421065.

ClinVar aggregate classification (germline): Uncertain significance (1 of 4 stars; one submission).

Conditions:
HSD10 mitochondrial disease (HSD10MD). Also called: 2-METHYL-3-HYDROXYBUTYRYL-CoA DEHYDROGENASE DEFICIENCY; HSD17B10 DEFICIENCY; MHBD DEFICIENCY; 2-methyl-3-hydroxybutyric aciduria; HSD10 deficiency; 3H2MBD deficiency. Identifiers: Orphanet 391417, Orphanet 85295, MedGen C3266731, MONDO:0010327, OMIM 300438. Disease mechanism: loss of function.

Allele frequency attached by ClinVar (database versions not stated): ExAC 0.00006.

Submission:

Neuberg Centre For Genomic Medicine, NCGM
Classification: Uncertain significance for HSD10 mitochondrial disease. Review status: criteria provided, single submitter. Criteria: ACMG Guidelines, 2015. Collection method: clinical testing. Allele origin: germline. Inheritance: Autosomal dominant inheritance. Affected: yes.
Comment: The missense variant c.11C>G p.Ala4Gly in the HSD17B10 gene has not been reported previously as a pathogenic variant nor as a benign variant, to our knowledge. This variant is reported with the allele frequency 0.002% in the gnomAD Exomes and novel not in any individuals in 1000 Genomes. The amino acid Alanine at position 4 is changed to a Glycine changing protein sequence and it might alter its composition and physico-chemical properties. The amino acid change p.Ala4Gly in HSD17B10 is predicted as conserved by GERP++ and PhyloP across 100 vertebrates. For these reasons, this variant has been classified as Uncertain Significance.